The following is an entry in ClinVar:

ClinVar aggregate classification (germline): Pathogenic (1 of 4 stars; one submission).

Submission:

Labcorp Genetics (formerly Invitae), Labcorp
Classification: Pathogenic. Last evaluated: 2024-06-03. Review status: criteria provided, single submitter. Criteria: Invitae Variant Classification Sherloc (09022015). Collection method: clinical testing. Allele origin: germline.
Comment: This sequence change replaces leucine, which is neutral and non-polar, with proline, which is neutral and non-polar, at codon 84 of the RHO protein (p.Leu84Pro). This variant is not present in population databases (gnomAD no frequency). This missense change has been observed in individual(s) with autosomal dominant retinitis pigmentosa (PMID: 30835353; Invitae). In at least one individual the variant was observed to be de novo. It has also been observed to segregate with disease in related individuals. ClinVar contains an entry for this variant (Variation ID: 1472719). Advanced modeling of protein sequence and biophysical properties (such as structural, functional, and spatial information, amino acid conservation, physicochemical variation, residue mobility, and thermodynamic stability) performed at Invitae indicates that this missense variant is expected to disrupt RHO protein function with a positive predictive value of 80%. For these reasons, this variant has been classified as Pathogenic.

Literature cited by the submitters: PubMed 30835353.

NM_000539.3(RHO):c.251T>C (p.Leu84Pro)

Gene: RHO (rhodopsin; plus strand). Cytogenetic location: 3q22.1.
Variant type: single nucleotide variant.
Coding change: c.251T>C on transcript NM_000539.3 (MANE Select); coding-DNA position 251, T replaced by C.
Protein change: p.Leu84Pro; replaces leucine 84 with proline.
Molecular consequence: missense variant.
Genome position (GRCh38, 1-based): chr3:129,528,984, T>C. VCF-style: chr3-129528984-T-C. GRCh37 (hg19) VCF-style: chr3-129247827-T-C.
Other names: short protein forms L84P.
Identifiers: ClinVar variation 1472719 (VCV001472719.6), dbSNP rs2108749285, ClinGen allele CA354496544.